The following is an entry in ClinVar:

NM_213649.2(SFXN4):c.703C>T (p.Leu235=)

Gene: SFXN4 (sideroflexin 4; minus strand). Cytogenetic location: 10q26.11.
Variant type: single nucleotide variant.
Coding change: c.703C>T on transcript NM_213649.2 (MANE Select); coding-DNA position 703, C replaced by T.
Protein change: p.Leu235=; no amino-acid change (leucine 235 retained).
Molecular consequence: synonymous variant. On other transcripts: non-coding transcript variant (1).
Genome position (GRCh38, 1-based): chr10:119,155,091, G>A on the plus strand (C>T on the coding strand, the complement: SFXN4 is on the minus strand). VCF-style: chr10-119155091-G-A. GRCh37 (hg19) VCF-style: chr10-120914603-G-A.
Identifiers: ClinVar variation 509984 (VCV000509984.6), dbSNP rs144336585, ClinGen allele CA5714430.

ClinVar aggregate classification (germline): Likely benign. Review status: criteria provided, multiple submitters, no conflicts (2 of 4 stars). 2 submissions from 2 submitters: Likely benign (2). Last evaluated 2025-06-12.

Allele frequency attached by ClinVar (database versions not stated): gnomAD exomes 0.00005 and 0.00016; ExAC 0.00023; 1000 Genomes Project 30x 0.00047; TOPMed 0.00058; 1000 Genomes Project 0.00060; gnomAD 0.00060 and 0.00062; ESP Exome Variant Server 0.00077.
gnomAD v4.1: 167 of 1,614,102 alleles (0.01%); highest among the groups gnomAD compares: African/African-American, 0.2%; no homozygotes.

Submissions (2):

Labcorp Genetics (formerly Invitae), Labcorp
Classification: Likely benign. Last evaluated: 2025-06-12. Review status: criteria provided, single submitter. Criteria: Invitae Variant Classification Sherloc (09022015). Collection method: clinical testing. Allele origin: germline.

GeneDx
Classification: Likely benign. Last evaluated: 2017-06-06. Review status: criteria provided, single submitter. Criteria: GeneDx Variant Classification (06012015). Collection method: clinical testing. Allele origin: germline. Affected: yes.
Comment: This variant is considered likely benign or benign based on one or more of the following criteria: it is a conservative change, it occurs at a poorly conserved position in the protein, it is predicted to be benign by multiple in silico algorithms, and/or has population frequency not consistent with disease.